The following is an entry in ClinVar:

NM_002878.4(RAD51D):c.848G>A (p.Gly283Glu)

Genes: RAD51D (RAD51 paralog D; minus strand), RAD51L3-RFFL (RAD51L3-RFFL readthrough; minus strand). Cytogenetic location: 17q12.
Variant type: single nucleotide variant.
Coding change: c.848G>A on transcript NM_002878.4 (MANE Select); coding-DNA position 848, G replaced by A.
Protein change: p.Gly283Glu; replaces glycine 283 with glutamic acid.
Molecular consequence: missense variant. On other transcripts: non-coding transcript variant (3).
Genome position (GRCh38, 1-based): chr17:35,101,256, C>T on the plus strand (G>A on the coding strand, the complement: RAD51D is on the minus strand). VCF-style: chr17-35101256-C-T. GRCh37 (hg19) VCF-style: chr17-33428275-C-T.
Other names: c.908G>A, p.Gly303Glu (NM_001142571.2); c.512G>A, p.Gly171Glu (NM_133629.3); short protein forms G171E, G283E, G303E.
Identifiers: ClinVar variation 1719068 (VCV001719068.5), dbSNP rs2142411459, ClinGen allele CA399086564.

ClinVar aggregate classification (germline): Uncertain significance (1 of 4 stars; one submission).

Conditions:
Breast-ovarian cancer, familial, susceptibility to, 4. Identifiers: Orphanet 145, MedGen C3280345, MONDO:0013669, OMIM 614291.

Submission:

Labcorp Genetics (formerly Invitae), Labcorp
Classification: Uncertain significance for Breast-ovarian cancer, familial, susceptibility to, 4. Last evaluated: 2022-09-08. Review status: criteria provided, single submitter. Criteria: Invitae Variant Classification Sherloc (09022015). Collection method: clinical testing. Allele origin: germline.
Comment: In summary, the available evidence is currently insufficient to determine the role of this variant in disease. Therefore, it has been classified as a Variant of Uncertain Significance. Advanced modeling of protein sequence and biophysical properties (such as structural, functional, and spatial information, amino acid conservation, physicochemical variation, residue mobility, and thermodynamic stability) performed at Invitae indicates that this missense variant is not expected to disrupt RAD51D protein function. This variant has not been reported in the literature in individuals affected with RAD51D-related conditions. This variant is not present in population databases (gnomAD no frequency). This sequence change replaces glycine, which is neutral and non-polar, with glutamic acid, which is acidic and polar, at codon 283 of the RAD51D protein (p.Gly283Glu).